The following is an entry in ClinVar:

ClinVar aggregate classification (germline): Benign/Likely benign. Review status: criteria provided, multiple submitters, no conflicts (2 of 4 stars). 9 submissions from 9 submitters: Benign (5); Likely benign (1). 3 of the submissions do not count toward it. Last evaluated 2026-02-03.

Conditions:
Hereditary spastic paraplegia 30. Identifiers: Orphanet 101010, MedGen C5235139, MONDO:0012476.
Neuropathy, hereditary sensory, type 2C. Also called: KIF1A-Related HSAN2 (HSAN2C); Hereditary sensory and autonomic neuropathy type IIC. Identifiers: Orphanet 970, MedGen C3280168, MONDO:0013634, OMIM 614213.
Intellectual disability, autosomal dominant 9 (NESCAVS). Also called: KIF1A-Related Neurodevelopmental Disorder; NESCAV SYNDROME. Identifiers: Orphanet 662367, MedGen C5393830, MONDO:0013656, OMIM 614255.

Allele frequency attached by ClinVar (database versions not stated): gnomAD exomes 0.01778 and 0.02112; ExAC 0.02295; ESP Exome Variant Server 0.02712; gnomAD 0.02807 and 0.02829; TOPMed 0.03205; 1000 Genomes Project 30x 0.03357; 1000 Genomes Project 0.03395.
gnomAD v4.1: 30,487 of 1,598,168 alleles (1.9%); highest among the groups gnomAD compares: African/African-American, 5.5%; 450 homozygotes.

Submissions (9):

Labcorp Genetics (formerly Invitae), Labcorp
Classification: Benign for Hereditary spastic paraplegia 30; Neuropathy, hereditary sensory, type 2C; Intellectual disability, autosomal dominant 9. Last evaluated: 2026-02-03. Review status: criteria provided, single submitter. Criteria: Invitae Variant Classification Sherloc (09022015). Collection method: clinical testing. Allele origin: germline.

ARUP Laboratories, Molecular Genetics and Genomics, ARUP Laboratories
Classification: Benign. Last evaluated: 2025-05-15. Review status: criteria provided, single submitter. Criteria: ARUP Molecular Germline Variant Investigation Process 2024. Collection method: clinical testing. Allele origin: germline.

Blueprint Genetics
Classification: Likely benign. Last evaluated: 2024-11-25. Review status: criteria provided, single submitter. Criteria: ACMG Guidelines, 2015. Collection method: clinical testing. Allele origin: germline.

Illumina Laboratory Services, Illumina
Classification: Benign for Spastic paraplegia 30A, autosomal dominant. Last evaluated: 2018-01-12. Review status: criteria provided, single submitter. Criteria: ICSL Variant Classification Criteria 13 December 2019. Collection method: clinical testing. Allele origin: germline.
Comment: This variant was observed in the ICSL laboratory as part of a predisposition screen in an ostensibly healthy population. It had not been previously curated by ICSL or reported in the Human Gene Mutation Database (HGMD: prior to June 1st, 2018), and was therefore a candidate for classification through an automated scoring system. Utilizing variant allele frequency, disease prevalence and penetrance estimates, and inheritance mode, an automated score was calculated to assess if this variant is too frequent to cause the disease. Based on the score and internal cut-off values, a variant classified as benign is not then subjected to further curation. The score for this variant resulted in a classification of benign for this disease.

GeneDx
Classification: Benign. Last evaluated: 2015-03-03. Review status: criteria provided, single submitter. Criteria: GeneDx Variant Classification Process June 2021. Collection method: clinical testing. Allele origin: germline. Affected: yes.

Breakthrough Genomics
Classification: Benign. Review status: criteria provided, single submitter. Criteria: ACMG Guidelines, 2015. Collection method: not provided. Allele origin: germline. Inheritance: Autosomal recessive inheritance. Affected: yes.

Clinical Genetics, Academic Medical Center
Classification: Benign. Review status: no assertion criteria provided. Collection method: clinical testing. Allele origin: germline. Affected: yes. Study: VKGL Data-share Consensus. Not counted in ClinVar's aggregate classification.

Genome Diagnostics Laboratory, University Medical Center Utrecht
Classification: Benign. Review status: no assertion criteria provided. Collection method: clinical testing. Allele origin: germline. Affected: yes. Study: VKGL Data-share Consensus. Not counted in ClinVar's aggregate classification.

Joint Genome Diagnostic Labs from Nijmegen and Maastricht, Radboudumc and MUMC+
Classification: Benign. Review status: no assertion criteria provided. Collection method: clinical testing. Allele origin: germline. Affected: yes. Study: VKGL Data-share Consensus. Not counted in ClinVar's aggregate classification.

NM_001244008.2(KIF1A):c.2977+13C>T

Gene: KIF1A (kinesin family member 1A; minus strand). Cytogenetic location: 2q37.3.
Variant type: single nucleotide variant.
Coding change: c.2977+13C>T on transcript NM_001244008.2 (MANE Select); 13 bases into the intron after coding-DNA position 2977, C replaced by T.
Molecular consequence: intron variant.
Genome position (GRCh38, 1-based): chr2:240,750,416, G>A on the plus strand (C>T on the coding strand, the complement: KIF1A is on the minus strand). VCF-style: chr2-240750416-G-A. GRCh37 (hg19) VCF-style: chr2-241689833-G-A.
Other names: c.2674+13C>T (NM_001379653.1, NM_001379650.1, NM_001379640.1 and 6 more transcripts); c.2950+13C>T (NM_001379645.1, NM_001379633.1, NM_001379642.1); c.2776+13C>T (NM_001379635.1, NM_001330290.2, NM_001379646.1 and 1 more transcripts); c.2926+13C>T (NM_001379632.1); c.2749+13C>T (NM_001379637.1, NM_001379648.1); c.2701+13C>T (NM_001320705.2, NM_001379638.1, NM_001330289.2); c.3052+13C>T (NM_001379631.1).
Identifiers: ClinVar variation 335272 (VCV000335272.36), dbSNP rs116600932, ClinGen allele CA2207969.